The following is an entry in ClinVar:

ClinVar aggregate classification (germline): Uncertain significance. Review status: criteria provided, multiple submitters, no conflicts (2 of 4 stars). 3 submissions from 3 submitters: Uncertain significance (3). Last evaluated 2024-02-07.

Conditions:
Hereditary cancer-predisposing syndrome. Also called: Neoplastic Syndromes, Hereditary; Hereditary neoplastic syndrome; Tumor predisposition; Hereditary Cancer Syndrome. Identifiers: Orphanet 140162, MedGen C0027672, MeSH D009386, MONDO:0015356.
Gorlin syndrome. Also called: Basal cell nevus syndrome; Nevoid Basal Cell Carcinoma Syndrome. Identifiers: Orphanet 377, MedGen C0004779, MONDO:0007187.

Submissions (3):

Ambry Genetics
Classification: Uncertain significance for Hereditary cancer-predisposing syndrome. Last evaluated: 2024-02-07. Review status: criteria provided, single submitter. Criteria: Ambry Variant Classification Scheme 2023. Collection method: clinical testing. Allele origin: germline.
Comment: The p.H1406Q variant (also known as c.4218C>A), located in coding exon 23 of the PTCH1 gene, results from a C to A substitution at nucleotide position 4218. The histidine at codon 1406 is replaced by glutamine, an amino acid with highly similar properties. This amino acid position is not well conserved in available vertebrate species. In addition, this alteration is predicted to be tolerated by in silico analysis. Since supporting evidence is limited at this time, the clinical significance of this alteration remains unclear.

GeneDx
Classification: Uncertain significance. Last evaluated: 2023-08-14. Review status: criteria provided, single submitter. Criteria: GeneDx Variant Classification Process June 2021. Collection method: clinical testing. Allele origin: germline. Affected: yes.
Comment: Not observed at significant frequency in large population cohorts (gnomAD); In silico analysis supports that this missense variant does not alter protein structure/function; Has not been previously published as pathogenic or benign to our knowledge

Labcorp Genetics (formerly Invitae), Labcorp
Classification: Uncertain significance for Gorlin syndrome. Last evaluated: 2022-01-23. Review status: criteria provided, single submitter. Criteria: Invitae Variant Classification Sherloc (09022015). Collection method: clinical testing. Allele origin: germline.
Comment: Advanced modeling of protein sequence and biophysical properties (such as structural, functional, and spatial information, amino acid conservation, physicochemical variation, residue mobility, and thermodynamic stability) performed at Invitae indicates that this missense variant is not expected to disrupt PTCH1 protein function. In summary, the available evidence is currently insufficient to determine the role of this variant in disease. Therefore, it has been classified as a Variant of Uncertain Significance. ClinVar contains an entry for this variant (Variation ID: 837249). This variant has not been reported in the literature in individuals affected with PTCH1-related conditions. This variant is present in population databases (rs372558350, gnomAD 0.0009%). This sequence change replaces histidine, which is basic and polar, with glutamine, which is neutral and polar, at codon 1406 of the PTCH1 protein (p.His1406Gln).

NM_000264.5(PTCH1):c.4218C>A (p.His1406Gln)

Gene: PTCH1 (patched 1; minus strand). Cytogenetic location: 9q22.32.
Variant type: single nucleotide variant.
Coding change: c.4218C>A on transcript NM_000264.5 (MANE Select); coding-DNA position 4218, C replaced by A.
Protein change: p.His1406Gln; replaces histidine 1406 with glutamine.
Molecular consequence: missense variant. On other transcripts: non-coding transcript variant (1).
Genome position (GRCh38, 1-based): chr9:95,447,038, G>T on the plus strand (C>A on the coding strand, the complement: PTCH1 is on the minus strand). VCF-style: chr9-95447038-G-T. GRCh37 (hg19) VCF-style: chr9-98209320-G-T.
Other names: c.4020C>A, p.His1340Gln (NM_001083602.3); c.4215C>A, p.His1405Gln (NM_001083603.3); c.3765C>A, p.His1255Gln (NM_001083604.3, NM_001083605.3, NM_001083606.3 and 1 more transcripts); c.4062C>A, p.His1354Gln (NM_001354918.2); short protein forms H1354Q, H1255Q, H1340Q, H1405Q, H1406Q.
Identifiers: ClinVar variation 837249 (VCV000837249.13), dbSNP rs372558350, ClinGen allele CA5137920.